The following is an entry in ClinVar:

ClinVar aggregate classification (germline): Uncertain significance (1 of 4 stars; one submission).

Conditions:
Charcot-Marie-Tooth Neuropathy X. Identifiers: MedGen CN118851.

Submission:

Labcorp Genetics (formerly Invitae), Labcorp
Classification: Uncertain significance for Charcot-Marie-Tooth Neuropathy X. Last evaluated: 2024-01-08. Review status: criteria provided, single submitter. Criteria: Invitae Variant Classification Sherloc (09022015). Collection method: clinical testing. Allele origin: germline.
Comment: This sequence change replaces isoleucine, which is neutral and non-polar, with leucine, which is neutral and non-polar, at codon 101 of the GJB1 protein (p.Ile101Leu). This variant is not present in population databases (gnomAD no frequency). This variant has not been reported in the literature in individuals affected with GJB1-related conditions. ClinVar contains an entry for this variant (Variation ID: 2109282). Advanced modeling of protein sequence and biophysical properties (such as structural, functional, and spatial information, amino acid conservation, physicochemical variation, residue mobility, and thermodynamic stability) performed at Invitae indicates that this missense variant is not expected to disrupt GJB1 protein function with a negative predictive value of 80%. In summary, the available evidence is currently insufficient to determine the role of this variant in disease. Therefore, it has been classified as a Variant of Uncertain Significance.

NM_000166.6(GJB1):c.301A>C (p.Ile101Leu)

Gene: GJB1 (gap junction protein beta 1; plus strand). Cytogenetic location: Xq13.1.
Variant type: single nucleotide variant.
Coding change: c.301A>C on transcript NM_000166.6 (MANE Select); coding-DNA position 301, A replaced by C.
Protein change: p.Ile101Leu; replaces isoleucine 101 with leucine.
Molecular consequence: missense variant.
Genome position (GRCh38, 1-based): chrX:71,224,008, A>C. VCF-style: chrX-71224008-A-C. GRCh37 (hg19) VCF-style: chrX-70443858-A-C.
Other names: c.301A>C, p.Ile101Leu (NM_001097642.3); short protein forms I101L.
Identifiers: ClinVar variation 2109282 (VCV002109282.4), dbSNP rs2519798241, ClinGen allele CA413501838.
Genomic context (GRCh38, chrX:71,224,008, plus strand): 5'-CTCATCCTAGTTTCCACCCCAGCTCTCCTCGTGGCCATGCACGTGGCTCACCAGCAACAC[A>C]TAGAGAAGAAAATGCTACGGCTTGAGGGCCATGGGGACCCCCTACACCTGGAGGAGGTGA-3'
Protein context (NP_000157.1, residues 91-111): VAMHVAHQQH[Ile101Leu]EKKMLRLEGH